The following is an entry in ClinVar:

NM_001256789.3(CACNA1F):c.101C>A (p.Ala34Asp)

Gene: CACNA1F (calcium voltage-gated channel subunit alpha1 F; minus strand). Cytogenetic location: Xp11.23.
Variant type: single nucleotide variant.
Coding change: c.101C>A on transcript NM_001256789.3 (MANE Select); coding-DNA position 101, C replaced by A.
Protein change: p.Ala34Asp; replaces alanine 34 with aspartic acid.
Molecular consequence: missense variant. On other transcripts: intron variant (1).
Genome position (GRCh38, 1-based): chrX:49,231,852, G>T on the plus strand (C>A on the coding strand, the complement: CACNA1F is on the minus strand). VCF-style: chrX-49231852-G-T. GRCh37 (hg19) VCF-style: chrX-49088314-G-T.
Other names: c.101C>A, p.Ala34Asp (NM_005183.4); c.66-160C>A (NM_001256790.3); c.101C>A (NM_005183.2); short protein forms A34D.
Identifiers: ClinVar variation 1369634 (VCV001369634.7), dbSNP rs1482928352, ClinGen allele CA412928247.
Genomic context (GRCh38, chrX:49,231,852, plus strand): 5'-TGCTGGTTTCTTCGCTTAGGGGTCCCTAGGCCTGATGCCCCACTGCTTTCACCTTCCACA[G>T]CTGGGGGCCCGGGGCACAGCCCCCATTCGGGACCAGGGCCTGCCCCATTGGCTGGACTGG-3'
Protein context (NP_001243718.1, residues 24-44): PEWGLCPGPP[Ala34Asp]VEGESSGASG

ClinVar aggregate classification (germline): Uncertain significance. Review status: criteria provided, multiple submitters, no conflicts (2 of 4 stars). 2 submissions from 2 submitters: Uncertain significance (2). Last evaluated 2025-08-24.

Conditions:
Inborn genetic diseases. Identifiers: MedGen C0950123, MeSH D030342.

Allele frequency attached by ClinVar (database versions not stated): gnomAD 0.00001; gnomAD exomes 0.00001 and 0.00002; TOPMed 0.00002.
gnomAD v4.1: 8 of 1,189,220 alleles (0.00067%); highest among the groups gnomAD compares: Admixed American, 0.012%; no homozygotes.

Submissions (2):

Ambry Genetics
Classification: Uncertain significance for Inborn genetic diseases. Last evaluated: 2025-08-24. Review status: criteria provided, single submitter. Criteria: Ambry Variant Classification Scheme 2023. Collection method: clinical testing. Allele origin: germline.

Labcorp Genetics (formerly Invitae), Labcorp
Classification: Uncertain significance. Last evaluated: 2024-01-11. Review status: criteria provided, single submitter. Criteria: Invitae Variant Classification Sherloc (09022015). Collection method: clinical testing. Allele origin: germline.
Comment: This sequence change replaces alanine, which is neutral and non-polar, with aspartic acid, which is acidic and polar, at codon 34 of the CACNA1F protein (p.Ala34Asp). This variant is present in population databases (no rsID available, gnomAD 0.01%). This variant has not been reported in the literature in individuals affected with CACNA1F-related conditions. ClinVar contains an entry for this variant (Variation ID: 1369634). An algorithm developed to predict the effect of missense changes on protein structure and function (PolyPhen-2) suggests that this variant is likely to be tolerated. In summary, the available evidence is currently insufficient to determine the role of this variant in disease. Therefore, it has been classified as a Variant of Uncertain Significance.